The following is an entry in ClinVar:

ClinVar aggregate classification (germline): Uncertain significance (1 of 4 stars; one submission).

Conditions:
Gorlin syndrome. Also called: Nevoid Basal Cell Carcinoma Syndrome; Basal cell nevus syndrome. Identifiers: Orphanet 377, MedGen C0004779, MONDO:0007187.

Submission:

Labcorp Genetics (formerly Invitae), Labcorp
Classification: Uncertain significance for Gorlin syndrome. Last evaluated: 2023-12-01. Review status: criteria provided, single submitter. Criteria: Invitae Variant Classification Sherloc (09022015). Collection method: clinical testing. Allele origin: germline.
Comment: This sequence change replaces lysine, which is basic and polar, with glutamic acid, which is acidic and polar, at codon 686 of the PTCH2 protein (p.Lys686Glu). Information on the frequency of this variant in the gnomAD database is not available, as this variant may be reported differently in the database. This variant has not been reported in the literature in individuals affected with PTCH2-related conditions. Experimental studies and prediction algorithms are not available or were not evaluated, and the functional significance of this variant is currently unknown. In summary, the available evidence is currently insufficient to determine the role of this variant in disease. Therefore, it has been classified as a Variant of Uncertain Significance.

NM_003738.5(PTCH2):c.2055_2056delinsCG (p.Lys686Glu)

Gene: PTCH2 (patched 2; minus strand). Cytogenetic location: 1p34.1.
Variant type: Indel.
Coding change: c.2055_2056delinsCG on transcript NM_003738.5 (MANE Select); coding-DNA positions 2055 to 2056, TA replaced by CG.
Protein change: p.Lys686Glu; replaces lysine 686 with glutamic acid.
Molecular consequence: missense variant.
Genome position (GRCh38, 1-based): chr1:44,827,845-44,827,846, TA replaced by CG on the plus strand (TA replaced by CG on the coding strand, the reverse complement: PTCH2 is on the minus strand). VCF-style: chr1-44827845-TA-CG. GRCh37 (hg19) VCF-style: chr1-45293517-TA-CG.
Other names: c.2055_2056delinsCG, p.Lys686Glu (NM_001166292.2); short protein forms K686E.
Identifiers: ClinVar variation 2700028 (VCV002700028.3), dbSNP rs2521961716, ClinGen allele CA2697552367.